The following is an entry in ClinVar:

ClinVar aggregate classification (germline): Uncertain significance (1 of 4 stars; one submission).

Submission:

GeneDx
Classification: Uncertain significance. Last evaluated: 2026-02-18. Review status: criteria provided, single submitter. Criteria: GeneDx Variant Classification Process June 2021. Collection method: clinical testing. Allele origin: germline.
Comment: Not observed at significant frequency in large population cohorts (gnomAD); Frameshift variant predicted to result in abnormal protein length as the last 107 amino acid(s) are replaced with 36 different amino acid(s); Has not been previously published as pathogenic or benign to our knowledge

NM_001162501.2(TNRC6B):c.5178del (p.Leu1727fs)

Gene: TNRC6B (trinucleotide repeat containing adaptor 6B; plus strand). Cytogenetic location: 22q13.1.
Variant type: Deletion.
Coding change: c.5178del on transcript NM_001162501.2 (MANE Select); coding-DNA position 5178, one base deleted (T; older notation c.5178delT).
Protein change: p.Leu1727fs; shifts the reading frame from leucine 1727.
Molecular consequence: frameshift variant.
Genome position (GRCh38, 1-based): chr22:40,322,917, T deleted; the last of 3 consecutive T bases (chr22:40,322,915-40,322,917); deleting any one gives the same sequence. VCF-style (leftmost placement, unchanged base first): chr22-40322914-CT-C. GRCh37 (hg19) VCF-style: chr22-40718918-CT-C.
Other names: c.2766del, p.Leu923fs (NM_001024843.2); c.4848del, p.Leu1617fs (NM_015088.3); short protein forms L1617fs, L1727fs, L923fs.
Identifiers: ClinVar variation 5008890 (VCV005008890.1).